The following is an entry in ClinVar:

ClinVar aggregate classification (germline): Likely benign. Review status: reviewed by expert panel (3 of 4 stars). 4 submissions from 4 submitters: Likely benign (1). 3 of the submissions do not count toward it. Last evaluated 2025-09-05.

Conditions:
RPGR-related retinopathy. Also called: RPGR retinopathy. Identifiers: MedGen CN305589, MONDO:0100437.
Primary ciliary dyskinesia. Also called: Ciliary dyskinesia. Identifiers: Orphanet 244, MedGen C0008780, MONDO:0016575, HP:0012265.

Allele frequency attached by ClinVar (database versions not stated): gnomAD 0.00004 and 0.00005; gnomAD exomes 0.00004; TOPMed 0.00005; ExAC 0.00006.
gnomAD v4.1: 47 of 1,209,966 alleles (0.0039%); highest among the groups gnomAD compares: South Asian, 0.0088%; no homozygotes.

Submissions (5):

ClinGen X-linked Inherited Retinal Disease Variant Curation Expert Panel, ClinGen
Classification: Likely benign for RPGR-related retinopathy. Last evaluated: 2025-09-05. Review status: reviewed by expert panel. Criteria: ClinGen X LinkedIRD ACMG Specifications RPGR V1.0.0. Collection method: curation. Allele origin: germline. Inheritance: X-linked inheritance.
Comment: NM_001034853.2(RPGR):c.415G>A (p.Glu139Lys) is a missense variant causing substitution of glutamate by lysine at amino acid 139. This variant is present in gnomAD v4.1.0 at a frequency of 0.00003522 among hemizygous individuals, with 14 variant alleles / 397,530 total alleles, which is higher than the ClinGen X-linked IRD VCEP BS1 threshold of >0.000005 (BS1). The computational predictor REVEL gives a score of 0.076, which is below the ClinGen X-linked IRD VCEP threshold of <0.183 and predicts a non-damaging effect on RPGR function. Additionally, the splicing impact predictor SpliceAI gives a delta score of 0.06 for donor gain, which is below the ClinGen X-linked IRD VCEP recommended threshold of <0.1 and does not strongly predict an impact on splicing (BP4_Moderate). In summary, this variant is classified as likely benign for RPGR-related retinopathy based on the ClinGen X-linked Inherited Retinal Disease Expert Panel Specifications to the ACMG/AMP Variant Interpretation Guidelines for RPGR Version 1.0.0; BS1 and BP4_Moderate.

Labcorp Genetics (formerly Invitae), Labcorp
Classification: Benign for Primary ciliary dyskinesia. Last evaluated: 2025-10-05. Review status: criteria provided, single submitter. Criteria: Invitae Variant Classification Sherloc (09022015). Collection method: clinical testing. Allele origin: germline. Not counted in ClinVar's aggregate classification.

Ambry Genetics
Classification: Uncertain significance for Primary ciliary dyskinesia. Last evaluated: 2023-05-16. Review status: criteria provided, single submitter. Criteria: Ambry Variant Classification Scheme 2023. Collection method: clinical testing. Allele origin: germline. Not counted in ClinVar's aggregate classification.

CeGaT Center for Human Genetics Tuebingen
Classification: Uncertain significance. Last evaluated: 2021-04-01. Review status: criteria provided, single submitter. Criteria: CeGaT Center For Human Genetics Tuebingen Variant Classification Criteria Version 2. Collection method: clinical testing. Allele origin: germline. Affected: yes. Observed: 1 variant allele. Not counted in ClinVar's aggregate classification.

Dr. Peter K. Rogan Lab, Western University
No classification provided (evidence only). Condition: Nonpapillary renal cell carcinoma. Review status: no classification provided. Collection method: in vitro. Allele origin: not applicable. Functional consequence: retained intron. Not counted in ClinVar's aggregate classification.

NM_001034853.2(RPGR):c.415G>A (p.Glu139Lys)

Gene: RPGR (retinitis pigmentosa GTPase regulator; minus strand). Cytogenetic location: Xp11.4.
Variant type: single nucleotide variant.
Coding change: c.415G>A on transcript NM_001034853.2 (MANE Select); coding-DNA position 415, G replaced by A.
Protein change: p.Glu139Lys; replaces glutamic acid 139 with lysine.
Molecular consequence: missense variant. On other transcripts: non-coding transcript variant (6).
Genome position (GRCh38, 1-based): chrX:38,318,883, C>T on the plus strand (G>A on the coding strand, the complement: RPGR is on the minus strand). VCF-style: chrX-38318883-C-T. GRCh37 (hg19) VCF-style: chrX-38178136-C-T.
Other names: NM_001034853.2(RPGR):c.415G>A; p.Glu139Lys; c.415G>A, p.Glu139Lys (NM_000328.3, NM_001367245.1, NM_001367246.1 and 3 more transcripts); c.445G>A, p.Glu149Lys (NM_001367248.1); c.412G>A, p.Glu138Lys (NM_001367249.1); c.415G>A (NM_000328.2); short protein forms E138K, E139K, E149K.
Identifiers: ClinVar variation 1176300 (VCV001176300.45), dbSNP rs62638645, ClinGen allele CA10385663.